The following is an entry in ClinVar:

ClinVar aggregate classification (germline): Uncertain significance (1 of 4 stars; one submission).

Submission:

CeGaT Center for Human Genetics Tuebingen
Classification: Uncertain significance. Last evaluated: 2022-11-01. Review status: criteria provided, single submitter. Criteria: CeGaT Center For Human Genetics Tuebingen Variant Classification Criteria Version 2. Collection method: clinical testing. Allele origin: germline. Affected: yes. Observed: 1 variant allele.
Comment: GLDC: PM2, PP3, PP4

NM_000170.3(GLDC):c.540G>C (p.Gln180His)

Gene: GLDC (glycine decarboxylase; minus strand). Cytogenetic location: 9p24.1.
Variant type: single nucleotide variant.
Coding change: c.540G>C on transcript NM_000170.3 (MANE Select); coding-DNA position 540, G replaced by C.
Protein change: p.Gln180His; replaces glutamine 180 with histidine.
Molecular consequence: missense variant.
Genome position (GRCh38, 1-based): chr9:6,610,287, C>G on the plus strand (G>C on the coding strand, the complement: GLDC is on the minus strand). VCF-style: chr9-6610287-C-G. GRCh37 (hg19) VCF-style: chr9-6610287-C-G.
Other names: short protein forms Q180H.
Identifiers: ClinVar variation 1879732 (VCV001879732.29), dbSNP rs2489111011, ClinGen allele CA372898429.